The following is an entry in ClinVar:

ClinVar aggregate classification (germline): Conflicting classifications of pathogenicity. Review status: criteria provided, conflicting classifications (1 of 4 stars). 5 submissions from 5 submitters: Uncertain significance (1); Likely benign (3). 1 of the submissions does not count toward it. Last evaluated 2026-02-02.

Conditions:
Hereditary insensitivity to pain with anhidrosis (CIPA). Also called: NEUROPATHY, CONGENITAL SENSORY, WITH ANHIDROSIS; hereditary sensory and autonomic neuropathy type 4; FAMILIAL DYSAUTONOMIA, TYPE II; NTRK1 Congenital Insensitivity to Pain with Anhidrosis; INSENSITIVITY TO PAIN, CONGENITAL, WITH ANHIDROSIS; HSAN Type IV. Identifiers: Orphanet 642, MedGen C0020074, MONDO:0009746, OMIM 256800.
NTRK1-related disorder. Also called: NTRK1-related condition.
Inborn genetic diseases. Identifiers: MedGen C0950123, MeSH D030342.

Allele frequency attached by ClinVar (database versions not stated): gnomAD exomes 0.00017; 1000 Genomes Project 0.00120; gnomAD 0.00166 and 0.00173; 1000 Genomes Project 30x 0.00172; TOPMed 0.00192.
gnomAD v4.1: 470 of 1,492,910 alleles (0.031%); highest among the groups gnomAD compares: African/African-American, 0.6%; no homozygotes.

Submissions (5):

Labcorp Genetics (formerly Invitae), Labcorp
Classification: Likely benign for Hereditary insensitivity to pain with anhidrosis. Last evaluated: 2026-02-02. Review status: criteria provided, single submitter. Criteria: Invitae Variant Classification Sherloc (09022015). Collection method: clinical testing. Allele origin: germline.

Women's Health and Genetics/Laboratory Corporation of America, LabCorp
Classification: Likely benign. Last evaluated: 2026-01-20. Review status: criteria provided, single submitter. Criteria: LabCorp Variant Classification Summary - May 2015. Collection method: clinical testing. Allele origin: germline.
Comment: Variant summary: NTRK1 c.10G>A (p.Gly4Ser) results in a non-conservative amino acid change in the encoded protein sequence. Algorithms developed to predict the effect of missense changes on protein structure and function are either unavailable or do not agree on the potential impact of this missense change. The variant allele was found at a frequency of 0.00031 in 1492910 control chromosomes, predominantly at a frequency of 0.006 within the African or African-American subpopulation in the gnomAD database. The observed variant frequency within African or African-American control individuals in the gnomAD database exceeds the estimated maximal expected allele frequency for disease-causing variants in NTRK1. To our knowledge, no occurrence of c.10G>A in individuals affected with NTRK1-related conditions and no experimental evidence demonstrating its impact on protein function have been reported. ClinVar contains an entry for this variant (Variation ID: 289495). Based on the evidence outlined above, the variant was classified as likely benign.

Ambry Genetics
Classification: Likely benign for Inborn genetic diseases. Last evaluated: 2019-09-26. Review status: criteria provided, single submitter. Criteria: Ambry Variant Classification Scheme 2023. Collection method: clinical testing. Allele origin: germline.

Eurofins Ntd Llc (ga)
Classification: Uncertain significance. Last evaluated: 2016-08-26. Review status: criteria provided, single submitter. Criteria: EGL Classification Definitions 2015. Collection method: clinical testing. Allele origin: germline. Observed: 1 variant allele, 1 heterozygote.

PreventionGenetics, part of Exact Sciences
Classification: Likely benign for NTRK1-related condition. Last evaluated: 2019-08-13. Review status: no assertion criteria provided. Collection method: clinical testing. Allele origin: germline. Not counted in ClinVar's aggregate classification.
Comment: This variant is classified as likely benign based on ACMG/AMP sequence variant interpretation guidelines (Richards et al. 2015 PMID: 25741868, with internal and published modifications).

NM_002529.4(NTRK1):c.10G>A (p.Gly4Ser)

Genes: NTRK1 (neurotrophic receptor tyrosine kinase 1; plus strand), LOC129931648 (ATAC-STARR-seq lymphoblastoid silent region 1440; plus strand). Cytogenetic location: 1q23.1.
Variant type: single nucleotide variant.
Coding change: c.10G>A on transcript NM_002529.4 (MANE Select); coding-DNA position 10, G replaced by A.
Protein change: p.Gly4Ser; replaces glycine 4 with serine.
Molecular consequence: missense variant. On other transcripts: intron variant (1).
Genome position (GRCh38, 1-based): chr1:156,860,944, G>A. VCF-style: chr1-156860944-G-A. GRCh37 (hg19) VCF-style: chr1-156830736-G-A.
Other names: c.10G>A (NM_002529.3); c.10G>A, p.Gly4Ser (NM_001012331.2); c.123-3410G>A (NM_001007792.1); short protein forms G4S.
Identifiers: ClinVar variation 289495 (VCV000289495.23), dbSNP rs556840308, ClinGen allele CA10606463.